The following is an entry in ClinVar:

NM_020631.6(PLEKHG5):c.2538C>A (p.Ser846=)

Gene: PLEKHG5 (pleckstrin homology and RhoGEF domain containing G5; minus strand). Cytogenetic location: 1p36.31.
Variant type: single nucleotide variant.
Coding change: c.2538C>A on transcript NM_020631.6 (MANE Select); coding-DNA position 2538, C replaced by A.
Protein change: p.Ser846=; no amino-acid change (serine 846 retained).
Molecular consequence: synonymous variant.
Genome position (GRCh38, 1-based): chr1:6,468,298, G>T on the plus strand (C>A on the coding strand, the complement: PLEKHG5 is on the minus strand). VCF-style: chr1-6468298-G-T. GRCh37 (hg19) VCF-style: chr1-6528358-G-T.
Other names: c.2649C>A, p.Ser883= (NM_001042663.3, NM_001265592.2); c.2538C>A, p.Ser846= (NM_001042664.2, NM_001042665.2, NM_001265594.3 and 1 more transcripts); c.2745C>A, p.Ser915= (NM_001265593.2).
Identifiers: ClinVar variation 536789 (VCV000536789.15), dbSNP rs776995250, ClinGen allele CA561141.

ClinVar aggregate classification (germline): Likely benign. Review status: criteria provided, multiple submitters, no conflicts (2 of 4 stars). 3 submissions from 3 submitters: Likely benign (3). Last evaluated 2025-12-31.

Conditions:
PLEKHG5-related disorder. Also called: PLEKHG5-related condition.
Inborn genetic diseases. Identifiers: MedGen C0950123, MeSH D030342.
Neuronopathy, distal hereditary motor, autosomal recessive 4. Also called: Autosomal recessive lower motor neuron disease with childhood onset; NEUROPATHY, DISTAL HEREDITARY MOTOR, AUTOSOMAL RECESSIVE 4. Identifiers: Orphanet 206580, MedGen C1970211, MONDO:0012608, OMIM 611067.
Charcot-Marie-Tooth disease recessive intermediate C. Also called: CHARCOT-MARIE-TOOTH NEUROPATHY, RECESSIVE INTERMEDIATE C. Identifiers: Orphanet 369867, MedGen C3809309, MONDO:0014154, OMIM 615376.

Allele frequency attached by ClinVar (database versions not stated): ExAC 0.00003; TOPMed 0.00005.

Submissions (3):

PreventionGenetics, part of Exact Sciences
Classification: Likely benign for PLEKHG5-related condition. Last evaluated: 2025-12-31. Review status: criteria provided, single submitter. Criteria: ACMG Guidelines, 2015. Collection method: clinical testing. Allele origin: germline.
Comment: This variant is classified as likely benign based on ACMG/AMP sequence variant interpretation guidelines (Richards et al. 2015 PMID: 25741868, with internal and published modifications).

Labcorp Genetics (formerly Invitae), Labcorp
Classification: Likely benign for Neuronopathy, distal hereditary motor, autosomal recessive 4; Charcot-Marie-Tooth disease recessive intermediate C. Last evaluated: 2025-12-30. Review status: criteria provided, single submitter. Criteria: Invitae Variant Classification Sherloc (09022015). Collection method: clinical testing. Allele origin: germline.

Ambry Genetics
Classification: Likely benign for Inborn genetic diseases. Last evaluated: 2019-07-11. Review status: criteria provided, single submitter. Criteria: Ambry Variant Classification Scheme 2023. Collection method: clinical testing. Allele origin: germline.